The following is an entry in ClinVar:

ClinVar aggregate classification (germline): Likely benign (0 of 4 stars; one submission).

Conditions:
PDZD2-related disorder. Also called: PDZD2-related condition.

Allele frequency attached by ClinVar (database versions not stated): gnomAD exomes 0.00028; ExAC 0.00076; 1000 Genomes Project 30x 0.00172; 1000 Genomes Project 0.00180; gnomAD 0.00196; TOPMed 0.00240; ESP Exome Variant Server 0.00246.
gnomAD v4.1: 723 of 1,611,054 alleles (0.045%); highest among the groups gnomAD compares: African/African-American, 0.68%; no homozygotes.

Submission:

PreventionGenetics, part of Exact Sciences
Classification: Likely benign for PDZD2-related condition. Last evaluated: 2019-05-02. Review status: no assertion criteria provided. Collection method: clinical testing. Allele origin: germline.
Comment: This variant is classified as likely benign based on ACMG/AMP sequence variant interpretation guidelines (Richards et al. 2015 PMID: 25741868, with internal and published modifications).

NM_178140.4(PDZD2):c.479A>T (p.Tyr160Phe)

Gene: PDZD2 (PDZ domain containing 2; plus strand). Cytogenetic location: 5p13.3.
Variant type: single nucleotide variant.
Coding change: c.479A>T on transcript NM_178140.4 (MANE Select); coding-DNA position 479, A replaced by T.
Protein change: p.Tyr160Phe; replaces tyrosine 160 with phenylalanine.
Molecular consequence: missense variant.
Genome position (GRCh38, 1-based): chr5:31,983,157, A>T. VCF-style: chr5-31983157-A-T. GRCh37 (hg19) VCF-style: chr5-31983263-A-T.
Other names: short protein forms Y160F.
Identifiers: ClinVar variation 3053793 (VCV003053793.2), dbSNP rs146815907, ClinGen allele CA3218613.